The following is an entry in ClinVar:

ClinVar aggregate classification (germline): Likely benign. Review status: criteria provided, multiple submitters, no conflicts (2 of 4 stars). 2 submissions from 2 submitters: Likely benign (2). Last evaluated 2025-04-24.

Conditions:
Ehlers-Danlos syndrome, dermatosparaxis type. Also called: Ehlers-Danlos syndrome, type VII, autosomal recessive; Dermatosparaxis; EDS VIIC. Identifiers: Orphanet 1901, MedGen C2700425, MONDO:0009161, OMIM 225410.

Allele frequency attached by ClinVar (database versions not stated): gnomAD exomes below 0.00001; TOPMed 0.00001; ExAC 0.00002.
gnomAD v4.1: 5 of 1,596,280 alleles (0.00031%); highest among the groups gnomAD compares: African/African-American, 0.0027%; no homozygotes.

Submissions (2):

Labcorp Genetics (formerly Invitae), Labcorp
Classification: Likely benign for Ehlers-Danlos syndrome, dermatosparaxis type. Last evaluated: 2025-04-24. Review status: criteria provided, single submitter. Criteria: Invitae Variant Classification Sherloc (09022015). Collection method: clinical testing. Allele origin: germline.

GeneDx
Classification: Likely benign. Last evaluated: 2017-05-31. Review status: criteria provided, single submitter. Criteria: GeneDx Variant Classification (06012015). Collection method: clinical testing. Allele origin: germline. Affected: yes.
Comment: This variant is considered likely benign or benign based on one or more of the following criteria: it is a conservative change, it occurs at a poorly conserved position in the protein, it is predicted to be benign by multiple in silico algorithms, and/or has population frequency not consistent with disease.

NM_014244.5(ADAMTS2):c.1382+12C>A

Gene: ADAMTS2 (ADAM metallopeptidase with thrombospondin type 1 motif 2; minus strand). Cytogenetic location: 5q35.3.
Variant type: single nucleotide variant.
Coding change: c.1382+12C>A on transcript NM_014244.5 (MANE Select); 12 bases into the intron after coding-DNA position 1382, C replaced by A.
Molecular consequence: intron variant.
Genome position (GRCh38, 1-based): chr5:179,154,037, G>T on the plus strand (C>A on the coding strand, the complement: ADAMTS2 is on the minus strand). VCF-style: chr5-179154037-G-T. GRCh37 (hg19) VCF-style: chr5-178581038-G-T.
Other names: c.1382+12C>A (NM_021599.4).
Identifiers: ClinVar variation 509897 (VCV000509897.4), dbSNP rs773245710, ClinGen allele CA3595953.